The following is an entry in ClinVar:

ClinVar aggregate classification (germline): Likely pathogenic (1 of 4 stars; one submission).

Conditions:
Cone-rod dystrophy 13 (CORD13). Identifiers: Orphanet 1872, MedGen C2750720, MONDO:0011987, OMIM 608194.

gnomAD v4.1: 1 of 1,611,808 alleles (0.000062%); highest among the groups gnomAD compares: South Asian, 0.0011%; no homozygotes.

Submission:

Neuberg Centre For Genomic Medicine, NCGM
Classification: Likely pathogenic for Cone-rod dystrophy 13. Last evaluated: 2023-05-20. Review status: criteria provided, single submitter. Criteria: ACMG Guidelines, 2015. Collection method: clinical testing. Allele origin: germline. Inheritance: Autosomal recessive inheritance. Affected: yes.
Comment: The observed stop gained variant c.349C>T(p.Gln117Ter) in RPGRIP1 gene has not been reported previously as a pathogenic variant nor as a benign variant, to our knowledge. The c.349C>T variant has 0.0004% allele frequency in gnomAD Exomes. Computational evidence (MutationTaster - Disease causing) predicts damaging effect on protein structure and function for this variant.This variant is predicted to cause loss of normal protein function through protein truncation. Loss of function variants have been previously reported to be disease causing (Dryja TP, et al., 2001). For these reasons, this variant has been classified as Likely Pathogenic.

NM_020366.4(RPGRIP1):c.349C>T (p.Gln117Ter)

Gene: RPGRIP1 (RPGR interacting protein 1; plus strand). Cytogenetic location: 14q11.2.
Variant type: single nucleotide variant.
Coding change: c.349C>T on transcript NM_020366.4 (MANE Select); coding-DNA position 349, C replaced by T.
Protein change: p.Gln117Ter; replaces glutamine 117 with a stop codon.
Molecular consequence: nonsense.
Genome position (GRCh38, 1-based): chr14:21,301,096, C>T. VCF-style: chr14-21301096-C-T. GRCh37 (hg19) VCF-style: chr14-21769255-C-T.
Other names: short protein forms Q117*.
Identifiers: ClinVar variation 3341433 (VCV003341433.1).